The following is an entry in ClinVar:

NM_005045.4(RELN):c.10322_10324del (p.Arg3441del)

Genes: RELN (reelin; minus strand), SLC26A5-AS1 (SLC26A5 antisense RNA 1; plus strand). Cytogenetic location: 7q22.1.
Variant type: Deletion.
Coding change: c.10322_10324del on transcript NM_005045.4 (MANE Select); coding-DNA positions 10322 to 10324, 3 bases deleted (GAC; older notation c.10322_10324delGAC).
Protein change: p.Arg3441del; deletes arginine 3441.
Molecular consequence: inframe deletion.
Genome position (GRCh38, 1-based): chr7:103,472,871-103,472,873, GTC deleted on the plus strand (GAC on the coding strand, the reverse complement: RELN is on the minus strand); deleting any 3 consecutive bases within chr7:103,472,871-103,472,875 gives the same sequence; the c. name uses the placement nearest the transcript's 3' end. VCF-style (leftmost placement, unchanged base first): chr7-103472870-TGTC-T. GRCh37 (hg19) VCF-style: chr7-103113317-TGTC-T.
Other names: c.10316_10318del, p.Arg3439del (NM_173054.3); short protein forms R3439del, R3441del.
Identifiers: ClinVar variation 838832 (VCV000838832.7), dbSNP rs770480930, ClinGen allele CA4419915.
Genomic context (GRCh38, chr7:103,472,870, plus strand): 5'-CTTCATGGGTATCGCCTAAGTGACCTTCGTCTTCTGTTGTAGAAATGTCTGAGCCCATGT[TGTC>T]GTGAAAAATTCATCATGTAATTTTGTTTGCGAGTGCTGTTAAAATCAAACAGGATAGAGG-3'

ClinVar aggregate classification (germline): Uncertain significance (1 of 4 stars; one submission).

Conditions:
Norman-Roberts syndrome (LIS2). Also called: Lissencephaly 2 (Norman-Roberts type). Identifiers: Orphanet 89844, MedGen C0796089, MONDO:0009760, OMIM 257320.
Familial temporal lobe epilepsy 7. Identifiers: Orphanet 101046, MedGen C4225327, MONDO:0014639, OMIM 616436.

Submission:

Labcorp Genetics (formerly Invitae), Labcorp
Classification: Uncertain significance for Familial temporal lobe epilepsy 7; Norman-Roberts syndrome. Last evaluated: 2025-05-01. Review status: criteria provided, single submitter. Criteria: Invitae Variant Classification Sherloc (09022015). Collection method: clinical testing. Allele origin: germline.
Comment: This variant, c.10322_10324del, results in the deletion of 1 amino acid(s) of the RELN protein (p.Arg3441del), but otherwise preserves the integrity of the reading frame. This variant is present in population databases (rs770480930, gnomAD 0.003%). This variant has not been reported in the literature in individuals affected with RELN-related conditions. ClinVar contains an entry for this variant (Variation ID: 838832). Experimental studies and prediction algorithms are not available or were not evaluated, and the functional significance of this variant is currently unknown. In summary, the available evidence is currently insufficient to determine the role of this variant in disease. Therefore, it has been classified as a Variant of Uncertain Significance.